The following is an entry in ClinVar:

NM_021072.4(HCN1):c.2659G>A (p.Ala887Thr)

Gene: HCN1 (hyperpolarization activated cyclic nucleotide gated potassium channel 1; minus strand). Cytogenetic location: 5p12.
Variant type: single nucleotide variant.
Coding change: c.2659G>A on transcript NM_021072.4 (MANE Select); coding-DNA position 2659, G replaced by A.
Protein change: p.Ala887Thr; replaces alanine 887 with threonine.
Molecular consequence: missense variant.
Genome position (GRCh38, 1-based): chr5:45,261,935, C>T on the plus strand (G>A on the coding strand, the complement: HCN1 is on the minus strand). VCF-style: chr5-45261935-C-T. GRCh37 (hg19) VCF-style: chr5-45262037-C-T.
Other names: c.2659G>A (NM_021072.3); short protein forms A887T.
Identifiers: ClinVar variation 1133375 (VCV001133375.12), dbSNP rs757124569, ClinGen allele CA3259065.
Genomic context (GRCh38, chr5:45,261,935, plus strand): 5'-CTCAGTTTATGAGAGTATTTCTTTCTGCTTTGACAATCAGCAGGGATCATAAATTTGAAG[C>T]AAATCGTGGCTTTTCTGCGTCTGGGTCTGTGTTTAAGACTGAGGAAGATTCTCTTGGAAG-3'
Protein context (NP_066550.2, residues 877-890): TDPDAEKPRF[Ala887Thr]SNL

ClinVar aggregate classification (germline): Likely benign. Review status: criteria provided, single submitter (1 of 4 stars). 2 submissions from 2 submitters: Likely benign (1). 1 of the submissions does not count toward it. Last evaluated 2025-02-24.

Conditions:
Early-infantile DEE. Also called: Early infantile epileptic encephalopathy with suppression bursts; Ohtahara syndrome; Early infantile epileptic encephalopathy. Identifiers: Orphanet 1934, MedGen C0393706, MONDO:0800491.
HCN1-related disorder. Also called: HCN1-related disorders; HCN1-related condition.

Allele frequency attached by ClinVar (database versions not stated): gnomAD 0.00003; TOPMed 0.00005; gnomAD exomes 0.00015 and 0.00007; ExAC 0.00007.
gnomAD v4.1: 219 of 1,613,918 alleles (0.014%); highest among the groups gnomAD compares: Non-Finnish European, 0.018%; no homozygotes.

Submissions (2):

Labcorp Genetics (formerly Invitae), Labcorp
Classification: Likely benign for Early-infantile DEE. Last evaluated: 2025-02-24. Review status: criteria provided, single submitter. Criteria: Invitae Variant Classification Sherloc (09022015). Collection method: clinical testing. Allele origin: germline.

PreventionGenetics, part of Exact Sciences
Classification: Uncertain significance for HCN1-related condition. Last evaluated: 2024-01-16. Review status: no assertion criteria provided. Collection method: clinical testing. Allele origin: germline. Not counted in ClinVar's aggregate classification.
Comment: The HCN1 c.2659G>A variant is predicted to result in the amino acid substitution p.Ala887Thr. To our knowledge, this variant has not been reported in the literature. This variant is reported in 0.015% of alleles in individuals of European (Non-Finnish) descent in gnomAD. At this time, the clinical significance of this variant is uncertain due to the absence of conclusive functional and genetic evidence.